The following is an entry in ClinVar:

NM_004995.4(MMP14):c.1615G>A (p.Ala539Thr)

Gene: MMP14 (matrix metallopeptidase 14; plus strand). Cytogenetic location: 14q11.2.
Variant type: single nucleotide variant.
Coding change: c.1615G>A on transcript NM_004995.4 (MANE Select); coding-DNA position 1615, G replaced by A.
Protein change: p.Ala539Thr; replaces alanine 539 with threonine.
Molecular consequence: missense variant.
Genome position (GRCh38, 1-based): chr14:22,845,905, G>A. VCF-style: chr14-22845905-G-A. GRCh37 (hg19) VCF-style: chr14-23315114-G-A.
Other names: c.1615G>A (NM_004995.2); short protein forms A539T.
Identifiers: ClinVar variation 1351738 (VCV001351738.9), dbSNP rs1005696831, ClinGen allele CA257749377.

ClinVar aggregate classification (germline): Uncertain significance. Review status: criteria provided, multiple submitters, no conflicts (2 of 4 stars). 2 submissions from 2 submitters: Uncertain significance (2). Last evaluated 2025-05-30.

Conditions:
Inborn genetic diseases. Identifiers: MedGen C0950123, MeSH D030342.

Allele frequency attached by ClinVar (database versions not stated): gnomAD exomes below 0.00001 and 0.00002; TOPMed 0.00002; gnomAD 0.00003.

Submissions (2):

Ambry Genetics
Classification: Uncertain significance for Inborn genetic diseases. Last evaluated: 2025-05-30. Review status: criteria provided, single submitter. Criteria: Ambry Variant Classification Scheme 2023. Collection method: clinical testing. Allele origin: germline.

Labcorp Genetics (formerly Invitae), Labcorp
Classification: Uncertain significance. Last evaluated: 2022-05-03. Review status: criteria provided, single submitter. Criteria: Invitae Variant Classification Sherloc (09022015). Collection method: clinical testing. Allele origin: germline.
Comment: Algorithms developed to predict the effect of missense changes on protein structure and function output the following: SIFT: "Tolerated"; PolyPhen-2: "Benign"; Align-GVGD: "Class C0". The threonine amino acid residue is found in multiple mammalian species, which suggests that this missense change does not adversely affect protein function. In summary, the available evidence is currently insufficient to determine the role of this variant in disease. Therefore, it has been classified as a Variant of Uncertain Significance. This variant has not been reported in the literature in individuals affected with MMP14-related conditions. The frequency data for this variant in the population databases is considered unreliable, as metrics indicate poor data quality at this position in the gnomAD database. This sequence change replaces alanine, which is neutral and non-polar, with threonine, which is neutral and polar, at codon 539 of the MMP14 protein (p.Ala539Thr).